The following is an entry in ClinVar:

NM_001367624.2(ZNF469):c.7012G>A (p.Gly2338Ser)

Gene: ZNF469 (zinc finger protein 469; plus strand). Cytogenetic location: 16q24.2.
Variant type: single nucleotide variant.
Coding change: c.7012G>A on transcript NM_001367624.2 (MANE Select); coding-DNA position 7012, G replaced by A.
Protein change: p.Gly2338Ser; replaces glycine 2338 with serine.
Molecular consequence: missense variant.
Genome position (GRCh38, 1-based): chr16:88,434,482, G>A. VCF-style: chr16-88434482-G-A. GRCh37 (hg19) VCF-style: chr16-88500890-G-A.
Other names: NM_001127464.1:c.6928G>A; NM_001127464.2:c.6928G>A; short protein forms G2338S.
Identifiers: ClinVar variation 1202539 (VCV001202539.11), dbSNP rs772172396, ClinGen allele CA8225207.

ClinVar aggregate classification (germline): Conflicting classifications of pathogenicity. Review status: criteria provided, conflicting classifications (1 of 4 stars). 4 submissions from 4 submitters: Uncertain significance (3); Likely benign (1). Last evaluated 2026-07-01.

Conditions:
Cardiovascular phenotype. Identifiers: MedGen CN230736.
ZNF469-related disorder. Also called: ZNF469-related condition.

Allele frequency attached by ClinVar (database versions not stated): gnomAD 0.00001; gnomAD exomes 0.00001 and 0.00003; TOPMed 0.00004; ExAC 0.00006.
gnomAD v4.1: 18 of 1,549,910 alleles (0.0012%); highest among the groups gnomAD compares: African/African-American, 0.0027%; no homozygotes.

Submissions (4):

PreventionGenetics, part of Exact Sciences
Classification: Uncertain significance for ZNF469-related condition. Last evaluated: 2026-07-01. Review status: criteria provided, single submitter. Criteria: ACMG Guidelines, 2015. Collection method: clinical testing. Allele origin: germline.
Comment: The ZNF469 c.6928G>A variant is predicted to result in the amino acid substitution p.Gly2310Ser. To our knowledge, this variant has not been reported in the literature. This variant is reported in 0.0044% of alleles in individuals of South Asian descent in gnomAD. At this time, the clinical significance of this variant is uncertain due to the absence of conclusive functional and genetic evidence.

Labcorp Genetics (formerly Invitae), Labcorp
Classification: Uncertain significance. Last evaluated: 2022-06-15. Review status: criteria provided, single submitter. Criteria: Invitae Variant Classification Sherloc (09022015). Collection method: clinical testing. Allele origin: germline.
Comment: This sequence change replaces glycine, which is neutral and non-polar, with serine, which is neutral and polar, at codon 2310 of the ZNF469 protein (p.Gly2310Ser). The frequency data for this variant in the population databases is considered unreliable, as metrics indicate poor data quality at this position in the gnomAD database. This variant has not been reported in the literature in individuals affected with ZNF469-related conditions. ClinVar contains an entry for this variant (Variation ID: 1202539). Algorithms developed to predict the effect of missense changes on protein structure and function output the following: SIFT: "Tolerated"; PolyPhen-2: "Benign"; Align-GVGD: "Class C0". The serine amino acid residue is found in multiple mammalian species, which suggests that this missense change does not adversely affect protein function. In summary, the available evidence is currently insufficient to determine the role of this variant in disease. Therefore, it has been classified as a Variant of Uncertain Significance.

Ambry Genetics
Classification: Likely benign for Cardiovascular phenotype. Last evaluated: 2021-12-08. Review status: criteria provided, single submitter. Criteria: Ambry Variant Classification Scheme 2023. Collection method: clinical testing. Allele origin: germline.

GeneDx
Classification: Uncertain significance. Last evaluated: 2021-02-03. Review status: criteria provided, single submitter. Criteria: GeneDx Variant Classification Process June 2021. Collection method: clinical testing. Allele origin: germline. Affected: yes.
Comment: Not observed at a significant frequency in large population cohorts (Lek et al., 2016); In silico analysis, which includes protein predictors and evolutionary conservation, supports that this variant does not alter protein structure/function; Has not been previously published as pathogenic or benign to our knowledge